The following is an entry in ClinVar:

ClinVar aggregate classification (germline): Uncertain significance. Review status: criteria provided, multiple submitters, no conflicts (2 of 4 stars). 5 submissions from 5 submitters: Uncertain significance (5). Last evaluated 2023-08-24.

Conditions:
Inborn genetic diseases. Identifiers: MedGen C0950123, MeSH D030342.
PIGG-related neurodevelopmental disorder.
Combined oxidative phosphorylation defect type 23. Also called: Combined oxidative phosphorylation deficiency 23. Identifiers: Orphanet 444013, MedGen C5567743, MONDO:0014525, OMIM 616198.

Allele frequency attached by ClinVar (database versions not stated): ExAC 0.00015; gnomAD 0.00015 and 0.00013; 1000 Genomes Project 30x 0.00047; 1000 Genomes Project 0.00020; ESP Exome Variant Server 0.00031; gnomAD exomes 0.00031 and 0.00017; TOPMed 0.00014.
gnomAD v4.1: 457 of 1,591,538 alleles (0.029%); highest among the groups gnomAD compares: Non-Finnish European, 0.035%; no homozygotes.

Submissions (5):

Mayo Clinic Laboratories, Mayo Clinic
Classification: Uncertain significance. Last evaluated: 2023-08-24. Review status: criteria provided, single submitter. Criteria: ACMG Guidelines, 2015. Collection method: clinical testing. Allele origin: germline. Observed: 1 variant allele.

Labcorp Genetics (formerly Invitae), Labcorp
Classification: Uncertain significance. Last evaluated: 2022-11-01. Review status: criteria provided, single submitter. Criteria: Invitae Variant Classification Sherloc (09022015). Collection method: clinical testing. Allele origin: germline.
Comment: This sequence change replaces valine, which is neutral and non-polar, with methionine, which is neutral and non-polar, at codon 450 of the GTPBP3 protein (p.Val450Met). This variant is present in population databases (rs148291786, gnomAD 0.02%). This variant has not been reported in the literature in individuals affected with GTPBP3-related conditions. ClinVar contains an entry for this variant (Variation ID: 870379). Algorithms developed to predict the effect of missense changes on protein structure and function (SIFT, PolyPhen-2, Align-GVGD) all suggest that this variant is likely to be tolerated. Algorithms developed to predict the effect of sequence changes on RNA splicing suggest that this variant may disrupt the consensus splice site. In summary, the available evidence is currently insufficient to determine the role of this variant in disease. Therefore, it has been classified as a Variant of Uncertain Significance.

Ambry Genetics
Classification: Uncertain significance for Inborn genetic diseases. Last evaluated: 2022-09-14. Review status: criteria provided, single submitter. Criteria: Ambry Variant Classification Scheme 2023. Collection method: clinical testing. Allele origin: germline.

GeneDx
Classification: Uncertain significance. Last evaluated: 2021-06-25. Review status: criteria provided, single submitter. Criteria: GeneDx Variant Classification Process June 2021. Collection method: clinical testing. Allele origin: germline. Affected: yes.
Comment: In silico analysis supports that this missense variant does not alter protein structure/function; Has not been previously published as pathogenic or benign to our knowledge

Victorian Clinical Genetics Services, Murdoch Childrens Research Institute
Classification: Uncertain significance for PIGG-related neurodevelopmental disorder. Last evaluated: 2018-10-01. Review status: criteria provided, single submitter. Criteria: ACMG Guidelines, 2015. Collection method: clinical testing. Allele origin: inherited. Affected: yes. Observed: 3 variant alleles. Clinical features observed: Hypoglycemia (HP:0001943), Increased serum lactate (HP:0002151), Hepatosplenomegaly (HP:0001433), Abnormality of coagulation (HP:0001928), Hyperbilirubinemia (HP:0002904), Anemia (HP:0001903), Elevated hepatic transaminases (HP:0002910).
Comment: A homozygous missense variant, NM_133644.3(GTPBP3):c.1348G>A, has been identified in the last codon of exon 7 of 8 of the GTPBP3 gene. The variant is predicted to result in a minor amino acid change from a valine to methionine at position 450 of the protein (NP_598399.2(GTPBP3):p.(Val450Met)). Both the valine residue and the nucleotide at this position have low conservation (100 vertebrates, UCSC, Phylop). The variant is located within the MnmE helical domain. In-silico predictions for this variant are consistently benign (Polyphen, SIFT, CADD, Mutation Taster) and in-silico predictions for the effect of the variant on splicing are conflicting (Human Splice Finder, Fruitfly). The variant is present in the gnomAD database at a frequency of 0.0155% (40 heterozygotes, 0 homozygotes) and has not been previously reported in clinical cases. Based on the information available at the time of curation, this variant has been classified as a VARIANT of UNCERTAIN SIGNIFICANCE (VUS) with LOW CLINICAL RELEVANCE.

NM_032620.4(GTPBP3):c.1252G>A (p.Val418Met)

Gene: GTPBP3 (GTP binding protein 3, mitochondrial; plus strand). Cytogenetic location: 19p13.11.
Variant type: single nucleotide variant.
Coding change: c.1252G>A on transcript NM_032620.4 (MANE Select); coding-DNA position 1252, G replaced by A.
Protein change: p.Val418Met; replaces valine 418 with methionine.
Molecular consequence: missense variant.
Genome position (GRCh38, 1-based): chr19:17,341,321, G>A. VCF-style: chr19-17341321-G-A. GRCh37 (hg19) VCF-style: chr19-17452130-G-A.
Other names: p.Val450Met; c.1189G>A, p.Val397Met (NM_001128855.3); c.1318G>A, p.Val440Met (NM_001195422.1); c.1348G>A, p.Val450Met (NM_133644.4); short protein forms V440M, V397M, V418M, V450M.
Identifiers: ClinVar variation 870379 (VCV000870379.11), dbSNP rs148291786, ClinGen allele CA9293674.